The following is an entry in ClinVar:

ClinVar aggregate classification (germline): Benign. Review status: criteria provided, multiple submitters, no conflicts (2 of 4 stars). 2 submissions from 2 submitters: Benign (2). Last evaluated 2018-06-16.

Allele frequency attached by ClinVar (database versions not stated): gnomAD exomes 0.02835; 1000 Genomes Project 0.03395; 1000 Genomes Project 30x 0.03420; TOPMed 0.03712; ESP Exome Variant Server 0.03811; gnomAD 0.04082 and 0.04186.
gnomAD v4.1: 46,442 of 1,564,768 alleles (3%); highest among the groups gnomAD compares: African/African-American, 6.5%; 908 homozygotes.

Submissions (2):

GeneDx
Classification: Benign. Last evaluated: 2018-06-16. Review status: criteria provided, single submitter. Criteria: GeneDx Variant Classification (06012015). Collection method: clinical testing. Allele origin: germline. Affected: yes.
Comment: This variant is considered likely benign or benign based on one or more of the following criteria: it is a conservative change, it occurs at a poorly conserved position in the protein, it is predicted to be benign by multiple in silico algorithms, and/or has population frequency not consistent with disease.

Breakthrough Genomics
Classification: Benign. Review status: criteria provided, single submitter. Criteria: ACMG Guidelines, 2015. Collection method: not provided. Allele origin: germline. Inheritance: Autosomal dominant inheritance. Affected: yes.

NM_001005242.3(PKP2):c.2446-60C>A

Gene: PKP2 (plakophilin 2; minus strand). Cytogenetic location: 12p11.21.
Variant type: single nucleotide variant.
Coding change: c.2446-60C>A on transcript NM_001005242.3 (MANE Select); 60 bases into the intron before coding-DNA position 2446, C replaced by A.
Molecular consequence: intron variant.
Genome position (GRCh38, 1-based): chr12:32,792,552, G>T on the plus strand (C>A on the coding strand, the complement: PKP2 is on the minus strand). VCF-style: chr12-32792552-G-T. GRCh37 (hg19) VCF-style: chr12-32945486-G-T.
Other names: c.2578-60C>A (NM_004572.4).
Identifiers: ClinVar variation 674366 (VCV000674366.2), dbSNP rs113493546, ClinGen allele CA13585690.